The following is an entry in ClinVar:

NM_012123.4(MTO1):c.1436A>T (p.Asp479Val)

Gene: MTO1 (mitochondrial tRNA translation optimization 1; plus strand). Cytogenetic location: 6q13.
Variant type: single nucleotide variant.
Coding change: c.1436A>T on transcript NM_012123.4 (MANE Select); coding-DNA position 1436, A replaced by T.
Protein change: p.Asp479Val; replaces aspartic acid 479 with valine.
Molecular consequence: missense variant.
Genome position (GRCh38, 1-based): chr6:73,482,215, A>T. VCF-style: chr6-73482215-A-T. GRCh37 (hg19) VCF-style: chr6-74191938-A-T.
Other names: c.1556A>T, p.Asp519Val (NM_001123226.2); c.1511A>T, p.Asp504Val (NM_133645.3); short protein forms D504V, D479V, D519V.
Identifiers: ClinVar variation 4701364 (VCV004701364.1).

ClinVar aggregate classification (germline): Uncertain significance (1 of 4 stars; one submission).

Conditions:
Mitochondrial hypertrophic cardiomyopathy with lactic acidosis due to MTO1 deficiency. Also called: CARDIOMYOPATHY, INFANTILE HYPERTROPHIC MITOCHONDRIAL, AND LACTIC ACIDOSIS; Combined oxidative phosphorylation deficiency 10. Identifiers: Orphanet 314637, MedGen C4749921, MONDO:0013865, OMIM 614702.

gnomAD v4.1: 1 of 1,614,024 alleles (0.000062%); no homozygotes.

Submission:

Labcorp Genetics (formerly Invitae), Labcorp
Classification: Uncertain significance for Mitochondrial hypertrophic cardiomyopathy with lactic acidosis due to MTO1 deficiency. Last evaluated: 2025-12-24. Review status: criteria provided, single submitter. Criteria: Invitae Variant Classification Sherloc (09022015). Collection method: clinical testing. Allele origin: germline.
Comment: This sequence change replaces aspartic acid, which is acidic and polar, with valine, which is neutral and non-polar, at codon 479 of the MTO1 protein (p.Asp479Val). This variant is not present in population databases (gnomAD no frequency). This variant has not been reported in the literature in individuals affected with MTO1-related conditions. Invitae Evidence Modeling of protein sequence and biophysical properties (such as structural, functional, and spatial information, amino acid conservation, physicochemical variation, residue mobility, and thermodynamic stability) has been performed for this missense variant. However, the output from this modeling did not meet the statistical confidence thresholds required to predict the impact of this variant on MTO1 protein function. In summary, the available evidence is currently insufficient to determine the role of this variant in disease. Therefore, it has been classified as a Variant of Uncertain Significance.